The following is an entry in ClinVar:

ClinVar aggregate classification (germline): Likely benign (1 of 4 stars; one submission).

gnomAD v4.1: 5,464 of 1,612,596 alleles (0.34%); highest among the groups gnomAD compares: Non-Finnish European, 0.42%; 10 homozygotes.

Submissions (8):

CeGaT Center for Human Genetics Tuebingen
Classification: Likely benign. Last evaluated: 2026-05-01. Review status: criteria provided, single submitter. Criteria: CeGaT Center For Human Genetics Tuebingen Variant Classification Criteria Version 2. Collection method: clinical testing. Allele origin: germline. Affected: yes. Observed: 1 variant allele.
Comment: IL33: BS1

Dr. Peter K. Rogan Lab, Western University
No classification provided (evidence only). Condition: Clear cell carcinoma of kidney. Review status: no classification provided. Collection method: in vitro. Allele origin: not applicable. Functional consequence: retained intron. Not counted in ClinVar's aggregate classification.

Dr. Peter K. Rogan Lab, Western University
No classification provided (evidence only). Condition: Lung cancer. Review status: no classification provided. Collection method: in vitro. Allele origin: not applicable. Functional consequence: retained intron. Not counted in ClinVar's aggregate classification.

Dr. Peter K. Rogan Lab, Western University
No classification provided (evidence only). Condition: Lung cancer. Review status: no classification provided. Collection method: in vitro. Allele origin: not applicable. Functional consequence: retained intron. Not counted in ClinVar's aggregate classification.

Dr. Peter K. Rogan Lab, Western University
No classification provided (evidence only). Condition: Familial cancer of breast. Review status: no classification provided. Collection method: in vitro. Allele origin: not applicable. Functional consequence: retained intron. Not counted in ClinVar's aggregate classification.

Dr. Peter K. Rogan Lab, Western University
No classification provided (evidence only). Condition: Thyroid cancer, nonmedullary, 1. Review status: no classification provided. Collection method: in vitro. Allele origin: not applicable. Functional consequence: retained intron. Not counted in ClinVar's aggregate classification.

Dr. Peter K. Rogan Lab, Western University
No classification provided (evidence only). Condition: Sarcoma. Review status: no classification provided. Collection method: in vitro. Allele origin: not applicable. Functional consequence: retained intron. Not counted in ClinVar's aggregate classification.

Dr. Peter K. Rogan Lab, Western University
No classification provided (evidence only). Condition: Lymphoma. Review status: no classification provided. Collection method: in vitro. Allele origin: not applicable. Functional consequence: retained intron. Not counted in ClinVar's aggregate classification.

NM_033439.4(IL33):c.613-1G>C

Gene: IL33 (interleukin 33; plus strand). Cytogenetic location: 9p24.1.
Variant type: single nucleotide variant.
Coding change: c.613-1G>C on transcript NM_033439.4 (MANE Select); the canonical splice acceptor site of the intron before coding-DNA position 613, G replaced by C.
Molecular consequence: splice acceptor variant.
Genome position (GRCh38, 1-based): chr9:6,255,967, G>C. VCF-style: chr9-6255967-G-C. GRCh37 (hg19) VCF-style: chr9-6255967-G-C.
Other names: NC_000009.11:g.6255967G>C; c.613-1G>C (NM_001314044.2, NM_001314045.2); c.595-1G>C (NM_001314047.2, NM_001314046.2); c.487-1G>C (NM_001199640.2, NM_001314048.2); c.235-1G>C (NM_001199641.2); c.490-1G>C (NM_001353802.2).
Identifiers: ClinVar variation 4356981 (VCV004356981.3).